The following is an entry in ClinVar:

NM_152703.5(SAMD9L):c.4224dup (p.Gln1409fs)

Gene: SAMD9L (sterile alpha motif domain containing 9 like; minus strand). Cytogenetic location: 7q21.2.
Variant type: Duplication.
Coding change: c.4224dup on transcript NM_152703.5 (MANE Select); coding-DNA position 4224, one base duplicated (A; older notation c.4224dupA).
Protein change: p.Gln1409fs; shifts the reading frame from glutamine 1409.
Molecular consequence: frameshift variant.
Genome position (GRCh38, 1-based): chr7:93,131,748, T duplicated on the plus strand (A on the coding strand, the reverse complement: SAMD9L is on the minus strand); the first of 7 consecutive T bases (chr7:93,131,748-93,131,754); duplicating any one gives the same sequence. VCF-style (leftmost placement, unchanged base first): chr7-93131747-G-GT. GRCh37 (hg19) VCF-style: chr7-92761060-G-GT.
Other names: c.4224dup, p.Gln1409fs (NM_001303496.3, NM_001303497.3, NM_001303498.3 and 5 more transcripts); short protein forms Q1409fs.
Identifiers: ClinVar variation 1338578 (VCV001338578.7), dbSNP rs759143613, ClinGen allele CA4343338.

ClinVar aggregate classification (germline): Conflicting classifications of pathogenicity. Review status: criteria provided, conflicting classifications (1 of 4 stars). 2 submissions from 2 submitters: Likely pathogenic (1); Uncertain significance (1). Last evaluated 2023-10-22.

Submissions (2):

Labcorp Genetics (formerly Invitae), Labcorp
Classification: Uncertain significance. Last evaluated: 2023-10-22. Review status: criteria provided, single submitter. Criteria: Invitae Variant Classification Sherloc (09022015). Collection method: clinical testing. Allele origin: germline.
Comment: This sequence change creates a premature translational stop signal (p.Gln1409Thrfs*49) in the SAMD9L gene. While this is not anticipated to result in nonsense mediated decay, it is expected to disrupt the last 176 amino acid(s) of the SAMD9L protein. This variant is present in population databases (rs769182657, gnomAD 0.0009%). This variant has not been reported in the literature in individuals affected with SAMD9L-related conditions. ClinVar contains an entry for this variant (Variation ID: 1338578). Experimental studies and prediction algorithms are not available or were not evaluated, and the functional significance of this variant is currently unknown. In summary, the available evidence is currently insufficient to determine the role of this variant in disease. Therefore, it has been classified as a Variant of Uncertain Significance.

Genetic Services Laboratory, University of Chicago
Classification: Likely pathogenic. Last evaluated: 2020-04-27. Review status: criteria provided, single submitter. Criteria: ACMG Guidelines, 2015. Collection method: clinical testing. Allele origin: germline. Affected: yes.